The following is an entry in ClinVar:

NM_000051.4(ATM):c.7991_8010+8dup

Genes: ATM (ATM serine/threonine kinase; plus strand), C11orf65 (chromosome 11 open reading frame 65; minus strand). Cytogenetic location: 11q22.3.
Variant type: Duplication.
Coding change: c.7991_8010+8dup on transcript NM_000051.4 (MANE Select); coding-DNA position 7991 through 8 bases into the intron after coding-DNA position 8010, 28 bases duplicated (TCCCTACTATGGAAATTAAGGTAATTTG).
Molecular consequence: splice donor variant. On other transcripts: intron variant (2).
Genome position (GRCh38, 1-based): chr11:108,333,949-108,333,976, TCCCTACTATGGAAATTAAGGTAATTTG duplicated; duplicating any 28 consecutive bases within chr11:108,333,946-108,333,976 gives the same sequence; the c. name uses the placement nearest the transcript's 3' end. VCF-style (leftmost placement, unchanged base first): chr11-108333945-G-GTTGTCCCTACTATGGAAATTAAGGTAAT. GRCh37 (hg19) VCF-style: chr11-108204672-G-GTTGTCCCTACTATGGAAATTAAGGTAAT.
Other names: c.7991_8010+8dup (NM_001351834.2); c.641-24902_641-24875dup (NM_001330368.2); c.*38+1247_*38+1274dup (NM_001351110.2); c.7991_8010+8dupTCCCTACTATGGAAATTAAGGTAATTTG (NM_000051.3).
Identifiers: ClinVar variation 524315 (VCV000524315.9), dbSNP rs1555126295, ClinGen allele CA658797750.

ClinVar aggregate classification (germline): Uncertain significance. Review status: criteria provided, multiple submitters, no conflicts (2 of 4 stars). 3 submissions from 3 submitters: Uncertain significance (2). 1 of the submissions does not count toward it. Last evaluated 2025-04-11.

Conditions:
Hereditary cancer-predisposing syndrome. Also called: Hereditary Cancer Syndrome; Neoplastic Syndromes, Hereditary; Tumor predisposition; Hereditary neoplastic syndrome. Identifiers: Orphanet 140162, MedGen C0027672, MeSH D009386, MONDO:0015356.
Ataxia-telangiectasia syndrome (AT). Also called: Cerebello-oculocutaneous telangiectasia; Immunodeficiency with ataxia telangiectasia; Ataxia-telangiectasia, complementation group E; Ataxia-telangiectasia, complementation group D; AT, COMPLEMENTATION GROUP C; ATAXIA-TELANGIECTASIA, COMPLEMENTATION GROUP A. Identifiers: Orphanet 100, MedGen C0004135, MONDO:0008840, OMIM 208900.

Submissions (3):

Ambry Genetics
Classification: Uncertain significance for Hereditary cancer-predisposing syndrome. Last evaluated: 2025-04-11. Review status: criteria provided, single submitter. Criteria: Ambry Variant Classification Scheme 2023. Collection method: clinical testing. Allele origin: germline.
Comment: The c.7991_8010+8DUP28 variant results from a duplication of 28 nucleotides between positions 7991 and 8010+8 and involves the canonical splice donor site after coding exon 53 of the ATM gene. The canonical splice donor site is highly conserved in available vertebrate species. In silico splice site analysis predicts that this alteration will result in the creation of a novel splice donor site; however, direct evidence is insufficient at this time (Ambry internal data). Based on the available evidence, the clinical significance of this variant remains unclear.

Labcorp Genetics (formerly Invitae), Labcorp
Classification: Uncertain significance for Ataxia-telangiectasia syndrome. Last evaluated: 2017-12-11. Review status: criteria provided, single submitter. Criteria: Invitae Variant Classification Sherloc (09022015). Collection method: clinical testing. Allele origin: germline.
Comment: This sequence change duplicates the last 20 nucleotides of exon 54 and the first 8 nucleotides of intron 54 (c.7991_8010+8dup). This results in the insertion of 28 nucleotides in intron 54, which is not expected to change the encoded amino acid sequence of the ATM protein. However, it generates a duplicated 5' consensus splice site in the intron. Algorithms developed to predict the effect of sequence changes on mRNA splicing suggest that this variant does not alter RNA splicing at the original consensus splice site. However, it may alter RNA splicing through the duplicated consensus splice site. This prediction has not been confirmed by published transcriptional studies. This variant is not present in population databases (ExAC no frequency). This variant has not been reported in the literature in individuals with ATM-related disease. In summary, the available evidence is currently insufficient to determine the role of this variant in disease. Therefore, it has been classified as a Variant of Uncertain Significance.

Natera, Inc.
Classification: Uncertain significance for Ataxia-telangiectasia. Last evaluated: 2025-04-11. Review status: no assertion criteria provided. Collection method: clinical testing. Allele origin: germline. Not counted in ClinVar's aggregate classification.